The following is an entry in ClinVar:

NM_015272.5(RPGRIP1L):c.3380del (p.Pro1127fs)

Gene: RPGRIP1L (RPGRIP1 like; minus strand). Cytogenetic location: 16q12.2.
Variant type: Deletion.
Coding change: c.3380del on transcript NM_015272.5 (MANE Select); coding-DNA position 3380, one base deleted (C; older notation c.3380delC).
Protein change: p.Pro1127fs; shifts the reading frame from proline 1127.
Molecular consequence: frameshift variant. On other transcripts: intron variant (2).
Genome position (GRCh38, 1-based): chr16:53,622,271, G deleted on the plus strand (C on the coding strand, the reverse complement: RPGRIP1L is on the minus strand); the first of 2 consecutive G bases (chr16:53,622,271-53,622,272); deleting either gives the same sequence. VCF-style (leftmost placement, unchanged base first): chr16-53622270-AG-A. GRCh37 (hg19) VCF-style: chr16-53656182-AG-A.
Other names: c.3380delC (NM_015272.4); c.3278del, p.Pro1093fs (NM_001330538.2); c.3193-3063del (NM_001127897.4); c.3295-3063del (NM_001308334.3); short protein forms P1093fs, P1127fs.
Identifiers: ClinVar variation 2922490 (VCV002922490.5), dbSNP rs1341026212, ClinGen allele CA622262963.

ClinVar aggregate classification (germline): Pathogenic/Likely pathogenic. Review status: criteria provided, multiple submitters, no conflicts (2 of 4 stars). 3 submissions from 3 submitters: Pathogenic (1); Likely pathogenic (2). Last evaluated 2025-06-12.

Conditions:
RPGRIP1L-related disorder. Also called: RPGRIP1L-related condition; RPGRIP1L-related disorders. Identifiers: MedGen CN239416.
Meckel-Gruber syndrome. Also called: Dysencephalia splachnocystica; DYSENCEPHALIA SPLANCHNOCYSTICA; GRUBER SYNDROME. Identifiers: Orphanet 564, MedGen C0265215, MONDO:0018921.
Joubert syndrome. Also called: Familial aplasia of the vermis; JOUBERT-BOLTSHAUSER SYNDROME. Identifiers: Orphanet 475, MedGen C5979921, MONDO:0018772.

Submissions (3):

Labcorp Genetics (formerly Invitae), Labcorp
Classification: Pathogenic for Joubert syndrome; Meckel-Gruber syndrome. Last evaluated: 2025-06-12. Review status: criteria provided, single submitter. Criteria: Invitae Variant Classification Sherloc (09022015). Collection method: clinical testing. Allele origin: germline.
Comment: This sequence change creates a premature translational stop signal (p.Pro1127Leufs*7) in the RPGRIP1L gene. It is expected to result in an absent or disrupted protein product. Loss-of-function variants in RPGRIP1L are known to be pathogenic (PMID: 17558409). This variant is present in population databases (no rsID available, gnomAD 0.01%). This variant has not been reported in the literature in individuals affected with RPGRIP1L-related conditions. ClinVar contains an entry for this variant (Variation ID: 2922490). For these reasons, this variant has been classified as Pathogenic.

PreventionGenetics, part of Exact Sciences
Classification: Likely pathogenic for RPGRIP1L-related condition. Last evaluated: 2025-03-19. Review status: criteria provided, single submitter. Criteria: ACMG Guidelines, 2015. Collection method: clinical testing. Allele origin: germline.
Comment: The RPGRIP1L c.3380delC variant is predicted to result in a frameshift and premature protein termination (p.Pro1127Leufs*7). To our knowledge this variant has not been reported in the literature. This variant is reported in 0.015% of alleles in individuals of African descent in gnomAD. Frameshift variants in RPGRIP1L are expected to be pathogenic. This variant is interpreted as likely pathogenic.

Revvity Omics, Revvity
Classification: Likely pathogenic. Last evaluated: 2024-11-19. Review status: criteria provided, single submitter. Criteria: ACMG Guidelines, 2015. Collection method: clinical testing. Allele origin: germline.

Literature cited by the submitters: PubMed 17558409 (cited by Labcorp Genetics (formerly Invitae), Labcorp).